The following is an entry in ClinVar:

ClinVar aggregate classification (germline): Uncertain significance. Review status: criteria provided, multiple submitters, no conflicts (2 of 4 stars). 2 submissions from 2 submitters: Uncertain significance (2). Last evaluated 2023-12-13.

Conditions:
Hypertrophic cardiomyopathy. Also called: HYPERTROPHIC MYOCARDIOPATHY. Identifiers: Orphanet 217569, MedGen C0007194, MeSH D002312, MONDO:0005045, HP:0001639.

Allele frequency attached by ClinVar (database versions not stated): gnomAD 0.00001.
gnomAD v4.1: 1 of 1,613,738 alleles (0.000062%); no homozygotes.

Submissions (2):

All of Us Research Program, National Institutes of Health
Classification: Uncertain significance for Hypertrophic cardiomyopathy. Last evaluated: 2023-12-13. Review status: criteria provided, single submitter. Criteria: ACMG Guidelines, 2015. Collection method: clinical testing. Allele origin: germline. Inheritance: Autosomal dominant inheritance. Observed: 1 variant allele, 1 heterozygote.
Comment: This missense variant replaces lysine with threonine at codon 1232 of the MYBPC3 protein. Computational prediction suggests that this variant may not impact protein structure and function (internally defined REVEL score threshold <= 0.5, PMID: 27666373). To our knowledge, functional studies have not been reported for this variant. This variant has not been reported in individuals affected with MYBPC3-related disorders in the literature. This variant has not been identified in the general population by the Genome Aggregation Database (gnomAD). The available evidence is insufficient to determine the role of this variant in disease conclusively. Therefore, this variant is classified as a Variant of Uncertain Significance.

This study involves interpretation of variants in research participants for the purpose of population health screening. Participant phenotype was not available at the time of variant classification. Additional details can be found in publication PMID: 35346344, PMCID: PMC8962531

Labcorp Genetics (formerly Invitae), Labcorp
Classification: Uncertain significance for Hypertrophic cardiomyopathy. Last evaluated: 2021-10-18. Review status: criteria provided, single submitter. Criteria: Invitae Variant Classification Sherloc (09022015). Collection method: clinical testing. Allele origin: germline.
Comment: This sequence change replaces lysine with threonine at codon 1232 of the MYBPC3 protein (p.Lys1232Thr). The lysine residue is highly conserved and there is a moderate physicochemical difference between lysine and threonine. This variant is not present in population databases (ExAC no frequency). This variant has not been reported in the literature in individuals affected with MYBPC3-related conditions. Algorithms developed to predict the effect of missense changes on protein structure and function are either unavailable or do not agree on the potential impact of this missense change (SIFT: "Deleterious"; PolyPhen-2: "Probably Damaging"; Align-GVGD: "Class C0"). In summary, the available evidence is currently insufficient to determine the role of this variant in disease. Therefore, it has been classified as a Variant of Uncertain Significance.

NM_000256.3(MYBPC3):c.3695A>C (p.Lys1232Thr)

Gene: MYBPC3 (myosin binding protein C3; minus strand). Cytogenetic location: 11p11.2.
Variant type: single nucleotide variant.
Coding change: c.3695A>C on transcript NM_000256.3 (MANE Select); coding-DNA position 3695, A replaced by C.
Protein change: p.Lys1232Thr; replaces lysine 1232 with threonine.
Molecular consequence: missense variant.
Genome position (GRCh38, 1-based): chr11:47,332,191, T>G on the plus strand (A>C on the coding strand, the complement: MYBPC3 is on the minus strand). VCF-style: chr11-47332191-T-G. GRCh37 (hg19) VCF-style: chr11-47353742-T-G.
Other names: short protein forms K1232T.
Identifiers: ClinVar variation 1525839 (VCV001525839.7), dbSNP rs1422822453, ClinGen allele CA380311351.